The following is an entry in ClinVar:

NM_206933.4(USH2A):c.6670G>T (p.Gly2224Cys)

Gene: USH2A (usherin; minus strand). Cytogenetic location: 1q41.
Variant type: single nucleotide variant.
Coding change: c.6670G>T on transcript NM_206933.4 (MANE Select); coding-DNA position 6670, G replaced by T.
Protein change: p.Gly2224Cys; replaces glycine 2224 with cysteine.
Molecular consequence: missense variant.
Genome position (GRCh38, 1-based): chr1:215,993,155, C>A on the plus strand (G>T on the coding strand, the complement: USH2A is on the minus strand). VCF-style: chr1-215993155-C-A. GRCh37 (hg19) VCF-style: chr1-216166497-C-A.
Other names: NP_996816.3:p.(Gly2224Cys); short protein forms G2224C.
Identifiers: ClinVar variation 209202 (VCV000209202.30), dbSNP rs149553844, ClinGen allele CA276179.
Genomic context (GRCh38, chr1:215,993,155, plus strand): 5'-CGCCTTCGGGTATGTCCTCGTCAGTTAGGGCCTCACTGGCCTCACTCACTGTGCACCCAC[C>A]ACCTGTGCAAGCCTAAACAGAGATGCAAAAATGCTCATTTCACTCTTGGTCCCAAAAGTT-3'
Protein context (NP_996816.3, residues 2214-2234): YLIKLGACTG[Gly2224Cys]GCTVSEASEA

ClinVar aggregate classification (germline): Conflicting classifications of pathogenicity. Review status: criteria provided, conflicting classifications (1 of 4 stars). 17 submissions from 17 submitters: Likely pathogenic (1); Uncertain significance (11). 5 of the submissions do not count toward it. Last evaluated 2026-08-06.

Conditions:
USH2A-related disorder. Also called: USH2A-related condition; USH2A-related disorders. Identifiers: MedGen CN239332.
Retinal dystrophy. Also called: Inherited retinal dystrophy. Identifiers: Orphanet 71862, MedGen C0854723, MeSH D058499, MONDO:0019118, HP:0000556.
Retinitis pigmentosa 39 (RP39). Identifiers: Orphanet 791, MedGen C3151138, MONDO:0013436, OMIM 613809.
Usher syndrome type 2A. Also called: USHER SYNDROME, TYPE IIA; RETINAL DISEASE IN USHER SYNDROME TYPE IIA, MODIFIER OF. Identifiers: Orphanet 231178, Orphanet 886, MedGen C1848634, MONDO:0010169, OMIM 276901.
Retinitis pigmentosa (RP). Identifiers: Orphanet 791, MedGen C0035334, MeSH D012174, MONDO:0019200, OMIM 268000. Inheritance: Autosomal dominant, autosomal recessive and X linked inheritance.

Allele frequency attached by ClinVar (database versions not stated): 1000 Genomes Project 30x 0.00016; 1000 Genomes Project 0.00020; TOPMed 0.00024; ESP Exome Variant Server 0.00031; gnomAD 0.00089.
gnomAD v4.1: 775 of 1,614,054 alleles (0.048%); highest among the groups gnomAD compares: Non-Finnish European, 0.055%; no homozygotes.

Submissions (17):

OLLIN Analises Genomicas, OLLIN
Classification: Uncertain significance for Usher syndrome type 2A. Last evaluated: 2026-08-06. Review status: criteria provided, single submitter. Criteria: ACMG Guidelines 2015 PMID 25741868. Collection method: clinical testing. Allele origin: germline. Inheritance: Autosomal recessive inheritance.
Comment: This missense variant, located in exon 35 (of 72), has been reported in ClinVar (accession VCV000209202.28) and in gnomAD with an allele frequency of 0.048%. However, to our knowledge, it has not been reported in the scientific literature. In silico analysis is inconclusive regarding the impact of this variant. According to the currently available evidence, this variant has been classified as uncertain significance (PM2_P, PM3).

PreventionGenetics, part of Exact Sciences
Classification: Uncertain significance for USH2A-related condition. Last evaluated: 2026-06-04. Review status: criteria provided, single submitter. Criteria: ACMG Guidelines, 2015. Collection method: clinical testing. Allele origin: germline.
Comment: The USH2A c.6670G>T variant is predicted to result in the amino acid substitution p.Gly2224Cys. This variant has been previously reported in the heterozygous state in several patients with autosomal recessive retinitis pigmentosa (RP) (Table S7, Consugar et al. 2015. PubMed ID: 25412400; Table S2, Carss et al. 2016. PubMed ID: 28041643; Khan et al. 2017. PubMed ID: 27160483; Table S2, Zampaglione et al. 2020. PubMed ID: 32037395; supplementary data, Panneman et al. 2023. PubMed ID: 36819107; supplementary data, Lin et al. 2024. PubMed ID: 38219857; Jiman et al. 2019. PubMed ID: 31836858). In all of these patients a second missense variant (p.Glu3448Lys) was present, while in two of the patients a third truncating variant was also present. In several other patients with RP, this variant was reported in the absence of the p.Glu3448Lys variant but with a second potentially causative variant (Table S1, Weisschuh et al. 2020. PubMed ID: 32531858; Reurink et al. 2023. PubMed ID: 36785559; supplementary data, Lin et al. 2024. PubMed ID: 38219857). Lastly, this variant was reported in the homozygous state in an individual with RP (supplementary data, Peter et al. 2023. PubMed ID: 36909829). This variant is reported in 0.13% of alleles in individuals of European (Finnish) descent in gnomAD. At this time, the clinical significance of this variant is uncertain due to the absence of conclusive functional and genetic evidence.

Women's Health and Genetics/Laboratory Corporation of America, LabCorp
Classification: Uncertain significance. Last evaluated: 2025-10-08. Review status: criteria provided, single submitter. Criteria: LabCorp Variant Classification Summary - May 2015. Collection method: clinical testing. Allele origin: germline.
Comment: Variant summary: USH2A c.6670G>T (p.Gly2224Cys) results in a non-conservative amino acid change in the encoded protein sequence. Algorithms developed to predict the effect of missense changes on protein structure and function are either unavailable or do not agree on the potential impact of this missense change. The variant allele was found at a frequency of 0.00045 in 251048 control chromosomes. This frequency is not significantly higher than estimated for disease-causing variants in USH2A, allowing no conclusion about variant significance. c.6670G>T has been observed in individual(s) affected with inherited retinal disease, without strong evidence for causality (Khan_2016, Carss_2017, Jiman_2020, Peter_2023, Lin_2024). These report(s) do not provide unequivocal conclusions about association of the variant with Usher Syndrome. To our knowledge, no experimental evidence demonstrating an impact on protein function has been reported. The following publications have been ascertained in the context of this evaluation (PMID: 28041643, 31836858, 27160483, 38219857, 36909829). ClinVar contains an entry for this variant (Variation ID: 209202). Based on the evidence outlined above, the variant was classified as uncertain significance.

GeneDx
Classification: Likely pathogenic. Last evaluated: 2025-09-16. Review status: criteria provided, single submitter. Criteria: GeneDx Variant Classification Process June 2021. Collection method: clinical testing. Allele origin: germline. Affected: yes.
Comment: In silico analysis supports that this missense variant has a deleterious effect on protein structure/function; This variant is associated with the following publications: (PMID: 25412400, 26633545, 32037395, 28041643, 36785559, 32531858, 35266249, 36819107, 34906470, 37734845, 38219857, 27160483, 36909829)

Blueprint Genetics
Classification: Uncertain significance. Last evaluated: 2024-11-08. Review status: criteria provided, single submitter. Criteria: ACMG Guidelines, 2015. Collection method: clinical testing. Allele origin: germline.

Ophthalmic Genetics Group, Institute of Molecular and Clinical Ophthalmology Basel
Classification: Uncertain significance for Retinitis pigmentosa. Last evaluated: 2023-07-24. Review status: criteria provided, single submitter. Criteria: ACMG Guidelines, 2015. Collection method: research. Allele origin: germline. Affected: yes. Observed: 1 variant allele.
Comment: Clinical significance based on ACMG v2.0

This variant was classified as Uncertain significance based on ACMG criteria: PM2, PP5.

Labcorp Genetics (formerly Invitae), Labcorp
Classification: Uncertain significance. Last evaluated: 2022-10-28. Review status: criteria provided, single submitter. Criteria: Invitae Variant Classification Sherloc (09022015). Collection method: clinical testing. Allele origin: germline.
Comment: This sequence change replaces glycine, which is neutral and non-polar, with cysteine, which is neutral and slightly polar, at codon 2224 of the USH2A protein (p.Gly2224Cys). This variant is present in population databases (rs149553844, gnomAD 0.1%), and has an allele count higher than expected for a pathogenic variant. This missense change has been observed in individual(s) with USH2A-related retinopathy (PMID: 25412400, 27160483, 28041643). ClinVar contains an entry for this variant (Variation ID: 209202). Advanced modeling of protein sequence and biophysical properties (such as structural, functional, and spatial information, amino acid conservation, physicochemical variation, residue mobility, and thermodynamic stability) performed at Invitae indicates that this missense variant is expected to disrupt USH2A protein function. In summary, the available evidence is currently insufficient to determine the role of this variant in disease. Therefore, it has been classified as a Variant of Uncertain Significance.

Institute of Human Genetics, Univ. Regensburg, Univ. Regensburg
Classification: Uncertain significance for Retinal dystrophy. Last evaluated: 2022-01-01. Review status: criteria provided, single submitter. Criteria: ACMG Guidelines, 2015. Collection method: clinical testing. Allele origin: germline. Affected: yes.

Ocular Genomics Institute, Massachusetts Eye and Ear
Classification: Uncertain significance for Retinitis pigmentosa 39. Last evaluated: 2021-04-08. Review status: criteria provided, single submitter. Criteria: ACMG Guidelines, 2015. Collection method: research. Allele origin: germline. Affected: yes.
Comment: Through a review of available evidence we were able to apply the following criteria: PM2, PP3. Based on this evidence we have classified this variant as Variant of Uncertain Significance.

Fulgent Genetics
Classification: Uncertain significance for Usher syndrome type 2A; Retinitis pigmentosa 39. Last evaluated: 2018-10-31. Review status: criteria provided, single submitter. Criteria: ACMG Guidelines, 2015. Collection method: clinical testing. Allele origin: unknown.

Eurofins Ntd Llc (ga)
Classification: Uncertain significance. Last evaluated: 2016-04-04. Review status: criteria provided, single submitter. Criteria: EGL Classification Definitions 2015. Collection method: clinical testing. Allele origin: germline. Observed: 1 variant allele, 1 heterozygote.

Baylor Genetics
Classification: Uncertain significance for Retinitis pigmentosa 39. Last evaluated: 2013-04-10. Review status: criteria provided, single submitter. Criteria: Yang et al. 2013. Collection method: clinical testing. Allele origin: germline. Inheritance: Autosomal recessive inheritance. Affected: yes. Observed: 6 variant alleles, 5 heterozygotes, 1 compound heterozygote. Study: Adult_WES.
Comment: Variant possibly pathogenic in recessive state; heterozygotes would be carriers.

Natera, Inc.
Classification: Uncertain significance for Usher syndrome type 2A. Last evaluated: 2020-09-16. Review status: no assertion criteria provided. Collection method: clinical testing. Allele origin: germline. Not counted in ClinVar's aggregate classification.

NIHR Bioresource Rare Diseases, University of Cambridge
Classification: Likely pathogenic for Retinitis pigmentosa. Last evaluated: 2015-01-01. Review status: no assertion criteria provided. Collection method: research. Allele origin: unknown. Affected: yes. Observed: 2 variant alleles. Not counted in ClinVar's aggregate classification.

Clinical Genetics DNA and cytogenetics Diagnostics Lab, Erasmus MC, Erasmus Medical Center
Classification: Uncertain significance. Review status: no assertion criteria provided. Collection method: clinical testing. Allele origin: germline. Affected: yes. Study: VKGL Data-share Consensus. Not counted in ClinVar's aggregate classification.

Joint Genome Diagnostic Labs from Nijmegen and Maastricht, Radboudumc and MUMC+
Classification: Uncertain significance. Review status: no assertion criteria provided. Collection method: clinical testing. Allele origin: germline. Affected: yes. Study: VKGL Data-share Consensus. Not counted in ClinVar's aggregate classification.

Centre for Genomic Medicine, Manchester, Central Manchester University Hospitals
Classification: Pathogenic for Usher syndrome type 2A. Last evaluated: 2019-02-01. Review status: flagged submission. Criteria: ACMG Guidelines, 2015. Collection method: clinical testing. Allele origin: germline. Affected: yes. Observed: 1 variant allele, 1 compound heterozygote. Not counted in ClinVar's aggregate classification.
ClinVar note: Reason: Outlier claim with insufficient supporting evidence

Literature cited by the submitters: PubMed 28041643 (cited by 4 submitters); PubMed 31836858 (cited by Women's Health and Genetics/Laboratory Corporation of America, LabCorp); PubMed 27160483 (cited by 3 submitters); PubMed 36909829 (cited by Women's Health and Genetics/Laboratory Corporation of America, LabCorp and Ophthalmic Genetics Group, Institute of Molecular and Clinical Ophthalmology Basel); PubMed 38219857 (cited by Women's Health and Genetics/Laboratory Corporation of America, LabCorp); PubMed 25412400 (cited by 4 submitters); PubMed 32531858 (cited by Institute of Human Genetics, Univ. Regensburg, Univ. Regensburg); PubMed 32037395 (cited by Institute of Human Genetics, Univ. Regensburg, Univ. Regensburg); PubMed 35266249 (cited by Institute of Human Genetics, Univ. Regensburg, Univ. Regensburg); PubMed 36819107 (cited by Institute of Human Genetics, Univ. Regensburg, Univ. Regensburg); PubMed 36785559 (cited by Institute of Human Genetics, Univ. Regensburg, Univ. Regensburg); PubMed 26633545 (cited by Ocular Genomics Institute, Massachusetts Eye and Ear and Baylor Genetics).